The following is an entry in ClinVar:

NM_024407.5(NDUFS7):c.499G>C (p.Val167Leu)

Gene: NDUFS7 (NADH:ubiquinone oxidoreductase core subunit S7; plus strand). Cytogenetic location: 19p13.3.
Variant type: single nucleotide variant.
Coding change: c.499G>C on transcript NM_024407.5 (MANE Select); coding-DNA position 499, G replaced by C.
Protein change: p.Val167Leu; replaces valine 167 with leucine.
Molecular consequence: missense variant.
Genome position (GRCh38, 1-based): chr19:1,393,285, G>C. VCF-style: chr19-1393285-G-C. GRCh37 (hg19) VCF-style: chr19-1393284-G-C.
Other names: c.499G>C, p.Val167Leu (NM_001363602.2); short protein forms V167L.
Identifiers: ClinVar variation 3188401 (VCV003188401.2), dbSNP rs768685948, ClinGen allele CA9043416.

ClinVar aggregate classification (germline): Uncertain significance. Review status: criteria provided, multiple submitters, no conflicts (2 of 4 stars). 2 submissions from 2 submitters: Uncertain significance (2). Last evaluated 2026-08-06.

Conditions:
Mitochondrial complex I deficiency, nuclear type 3. Also called: Mitochondrial complex 1 deficiency, nuclear type 3. Identifiers: MedGen C4748752, MONDO:0032608, OMIM 618224.
Inborn genetic diseases. Identifiers: MedGen C0950123, MeSH D030342.

Allele frequency attached by ClinVar (database versions not stated): gnomAD exomes below 0.00001; ExAC 0.00003.
gnomAD v4.1: 7 of 1,589,410 alleles (0.00044%); highest among the groups gnomAD compares: Non-Finnish European, 0.00051%; no homozygotes.

Submissions (2):

OLLIN Analises Genomicas, OLLIN
Classification: Uncertain significance for Mitochondrial complex I deficiency, nuclear type 3. Last evaluated: 2026-08-06. Review status: criteria provided, single submitter. Criteria: ACMG Guidelines 2015 PMID 25741868. Collection method: clinical testing. Allele origin: germline.
Comment: This missense variant, located in exon 7 (of 8), has been reported in ClinVar (accession VCV003188401.1) and in gnomAD with an allele frequency of 0.00044%. However, to our knowledge, it has not been reported in the scientific literature. In silico analysis is inconclusive regarding the impact of this variant. According to the currently available evidence, this variant has been classified as uncertain significance (PM2_P).

Ambry Genetics
Classification: Uncertain significance for Inborn genetic diseases. Last evaluated: 2023-12-26. Review status: criteria provided, single submitter. Criteria: Ambry Variant Classification Scheme 2023. Collection method: clinical testing. Allele origin: germline.